The following is an entry in ClinVar:

NM_022356.4(P3H1):c.1003G>A (p.Glu335Lys)

Gene: P3H1 (prolyl 3-hydroxylase 1; minus strand). Cytogenetic location: 1p34.2.
Variant type: single nucleotide variant.
Coding change: c.1003G>A on transcript NM_022356.4 (MANE Select); coding-DNA position 1003, G replaced by A.
Protein change: p.Glu335Lys; replaces glutamic acid 335 with lysine.
Molecular consequence: missense variant.
Genome position (GRCh38, 1-based): chr1:42,757,860, C>T on the plus strand (G>A on the coding strand, the complement: P3H1 is on the minus strand). VCF-style: chr1-42757860-C-T. GRCh37 (hg19) VCF-style: chr1-43223531-C-T.
Other names: c.1003G>A, p.Glu335Lys (NM_001146289.2, NM_001243246.2); short protein forms E335K.
Identifiers: ClinVar variation 1499599 (VCV001499599.5), dbSNP rs941343754, ClinGen allele CA21244937.
Genomic context (GRCh38, chr1:42,757,860, plus strand): 5'-ATCTGGTGTGTTCTTCTCCAAGCATAGCTGCATAATAGGCCAAATTTTGGTTCATCACCT[C>T]GTCATTGGGGAAGAAGAGAAGATAGGTCTTGGCACATTCAACAGCCTGTGTATAATTCCC-3'
Protein context (NP_071751.3, residues 325-345): KTYLLFFPND[Glu335Lys]VMNQNLAYYA

ClinVar aggregate classification (germline): Uncertain significance (1 of 4 stars; one submission).

Conditions:
Osteogenesis imperfecta type 8 (OI8). Identifiers: MedGen C1970458, MONDO:0012581, OMIM 610915.

Allele frequency attached by ClinVar (database versions not stated): gnomAD exomes below 0.00001; TOPMed 0.00002.
gnomAD v4.1: 4 of 1,614,176 alleles (0.00025%); highest among the groups gnomAD compares: Non-Finnish European, 0.00034%; no homozygotes.

Submission:

Labcorp Genetics (formerly Invitae), Labcorp
Classification: Uncertain significance for Osteogenesis imperfecta type 8. Last evaluated: 2021-11-08. Review status: criteria provided, single submitter. Criteria: Invitae Variant Classification Sherloc (09022015). Collection method: clinical testing. Allele origin: germline.
Comment: In summary, the available evidence is currently insufficient to determine the role of this variant in disease. Therefore, it has been classified as a Variant of Uncertain Significance. Algorithms developed to predict the effect of missense changes on protein structure and function (SIFT, PolyPhen-2, Align-GVGD) all suggest that this variant is likely to be tolerated. This variant has not been reported in the literature in individuals affected with P3H1-related conditions. This variant is present in population databases (no rsID available, gnomAD 0.0009%). This sequence change replaces glutamic acid, which is acidic and polar, with lysine, which is basic and polar, at codon 335 of the P3H1 protein (p.Glu335Lys).